The following is an entry in ClinVar:

NM_002293.4(LAMC1):c.3407C>T (p.Ala1136Val)

Gene: LAMC1 (laminin subunit gamma 1; plus strand). Cytogenetic location: 1q25.3.
Variant type: single nucleotide variant.
Coding change: c.3407C>T on transcript NM_002293.4 (MANE Select); coding-DNA position 3407, C replaced by T.
Protein change: p.Ala1136Val; replaces alanine 1136 with valine.
Molecular consequence: missense variant.
Genome position (GRCh38, 1-based): chr1:183,130,470, C>T. VCF-style: chr1-183130470-C-T. GRCh37 (hg19) VCF-style: chr1-183099605-C-T.
Other names: short protein forms A1136V.
Identifiers: ClinVar variation 3046925 (VCV003046925.3), dbSNP rs148915520, ClinGen allele CA1281655.

ClinVar aggregate classification (germline): Uncertain significance. Review status: criteria provided, single submitter (1 of 4 stars). 2 submissions from 2 submitters: Uncertain significance (1). 1 of the submissions does not count toward it. Last evaluated 2025-09-26.

Conditions:
LAMC1-related disorder. Also called: LAMC1-related condition.

Allele frequency attached by ClinVar (database versions not stated): 1000 Genomes Project 0.00060; TOPMed 0.00113; gnomAD exomes 0.00008; 1000 Genomes Project 30x 0.00047; gnomAD 0.00083; ESP Exome Variant Server 0.00085; ExAC 0.00031.
gnomAD v4.1: 264 of 1,614,100 alleles (0.016%); highest among the groups gnomAD compares: African/African-American, 0.28%; no homozygotes.

Submissions (2):

Ambry Genetics
Classification: Uncertain significance. Last evaluated: 2025-09-26. Review status: criteria provided, single submitter. Criteria: Ambry Variant Classification Scheme 2023. Collection method: clinical testing. Allele origin: germline.

PreventionGenetics, part of Exact Sciences
Classification: Likely benign for LAMC1-related condition. Last evaluated: 2022-05-17. Review status: no assertion criteria provided. Collection method: clinical testing. Allele origin: germline. Not counted in ClinVar's aggregate classification.
Comment: This variant is classified as likely benign based on ACMG/AMP sequence variant interpretation guidelines (Richards et al. 2015 PMID: 25741868, with internal and published modifications).